The following is an entry in ClinVar:

NM_006514.4(SCN10A):c.3982A>G (p.Asn1328Asp)

Gene: SCN10A (sodium voltage-gated channel alpha subunit 10; minus strand). Cytogenetic location: 3p22.2.
Variant type: single nucleotide variant.
Coding change: c.3982A>G on transcript NM_006514.4 (MANE Select); coding-DNA position 3982, A replaced by G.
Protein change: p.Asn1328Asp; replaces asparagine 1328 with aspartic acid.
Molecular consequence: missense variant.
Genome position (GRCh38, 1-based): chr3:38,712,268, T>C on the plus strand (A>G on the coding strand, the complement: SCN10A is on the minus strand). VCF-style: chr3-38712268-T-C. GRCh37 (hg19) VCF-style: chr3-38753759-T-C.
Other names: c.3979A>G, p.Asn1327Asp (NM_001293306.2); c.3688A>G, p.Asn1230Asp (NM_001293307.2); short protein forms N1327D, N1328D, N1230D.
Identifiers: ClinVar variation 4614902 (VCV004614902.2).
Genomic context (GRCh38, chr3:38,712,268, plus strand): 5'-CTTTCACATTGACCCAGAAGAAGCTGCCAGTGGAGTTTTGAATCTTGCAGTCAGACTTGT[T>C]ATTCACAATCGACAAAGGTACAAGGGAAAACTCTCCATCGGTATAGTTGATGCACCTCCA-3'
Protein context (NP_006505.4, residues 1318-1338): FSLVPLSIVN[Asn1328Asp]KSDCKIQNST

ClinVar aggregate classification (germline): Uncertain significance. Review status: criteria provided, multiple submitters, no conflicts (2 of 4 stars). 2 submissions from 2 submitters: Uncertain significance (2). Last evaluated 2025-12-10.

Conditions:
Cardiovascular phenotype. Identifiers: MedGen CN230736.
Brugada syndrome. Also called: Sudden unexpected nocturnal death syndrome; Sudden unexplained nocturnal death syndrome; Sudden Unexplained Death Syndrome; Sudden Unexplained Nocturnal Death Syndrome (SUNDS). Identifiers: Orphanet 130, MedGen C1142166, MONDO:0015263.

gnomAD v4.1: 10 of 1,614,086 alleles (0.00062%); highest among the groups gnomAD compares: Non-Finnish European, 0.00085%; no homozygotes.

Submissions (2):

Ambry Genetics
Classification: Uncertain significance for Cardiovascular phenotype. Last evaluated: 2025-12-10. Review status: criteria provided, single submitter. Criteria: Ambry Variant Classification Scheme 2023. Collection method: clinical testing. Allele origin: germline.

Labcorp Genetics (formerly Invitae), Labcorp
Classification: Uncertain significance for Brugada syndrome. Last evaluated: 2025-03-26. Review status: criteria provided, single submitter. Criteria: Invitae Variant Classification Sherloc (09022015). Collection method: clinical testing. Allele origin: germline.
Comment: This sequence change replaces asparagine, which is neutral and polar, with aspartic acid, which is acidic and polar, at codon 1328 of the SCN10A protein (p.Asn1328Asp). This variant is present in population databases (rs757826438, gnomAD 0.0009%). This variant has not been reported in the literature in individuals affected with SCN10A-related conditions. Invitae Evidence Modeling of protein sequence and biophysical properties (such as structural, functional, and spatial information, amino acid conservation, physicochemical variation, residue mobility, and thermodynamic stability) indicates that this missense variant is not expected to disrupt SCN10A protein function with a negative predictive value of 80%. In summary, the available evidence is currently insufficient to determine the role of this variant in disease. Therefore, it has been classified as a Variant of Uncertain Significance.